The following is an entry in ClinVar:

NM_001184.4(ATR):c.3112del (p.Ser1038fs)

Gene: ATR (ATR checkpoint kinase; minus strand). Cytogenetic location: 3q23.
Variant type: Deletion.
Coding change: c.3112del on transcript NM_001184.4 (MANE Select); coding-DNA position 3112, one base deleted (T; older notation c.3112delT).
Protein change: p.Ser1038fs; shifts the reading frame from serine 1038.
Molecular consequence: frameshift variant.
Genome position (GRCh38, 1-based): chr3:142,549,538, A deleted on the plus strand (T on the coding strand, the reverse complement: ATR is on the minus strand); the first of 6 consecutive A bases (chr3:142,549,538-142,549,543); deleting any one gives the same sequence. VCF-style (leftmost placement, unchanged base first): chr3-142549537-GA-G. GRCh37 (hg19) VCF-style: chr3-142268379-GA-G.
Other names: c.2920del, p.Ser974fs (NM_001354579.2); short protein forms S974fs, S1038fs.
Identifiers: ClinVar variation 2764876 (VCV002764876.3), dbSNP rs1559984993, ClinGen allele CA546893990.

ClinVar aggregate classification (germline): Pathogenic (1 of 4 stars; one submission).

Submission:

Labcorp Genetics (formerly Invitae), Labcorp
Classification: Pathogenic. Last evaluated: 2023-05-23. Review status: criteria provided, single submitter. Criteria: Invitae Variant Classification Sherloc (09022015). Collection method: clinical testing. Allele origin: germline.
Comment: This sequence change creates a premature translational stop signal (p.Ser1038Leufs*12) in the ATR gene. It is expected to result in an absent or disrupted protein product. Loss-of-function variants in ATR are known to be pathogenic (PMID: 21228398, 23144622). This variant is not present in population databases (gnomAD no frequency). This variant has not been reported in the literature in individuals affected with ATR-related conditions. For these reasons, this variant has been classified as Pathogenic.

Literature cited by the submitters: PubMed 21228398; PubMed 23144622.